The following is an entry in ClinVar:

NM_181552.4(CUX1):c.601C>T (p.Gln201Ter)

Gene: CUX1 (cut like homeobox 1; plus strand). Cytogenetic location: 7q22.1.
Variant type: single nucleotide variant.
Coding change: c.601C>T on transcript NM_181552.4 (MANE Select); coding-DNA position 601, C replaced by T.
Protein change: p.Gln201Ter; replaces glutamine 201 with a stop codon.
Molecular consequence: nonsense.
Genome position (GRCh38, 1-based): chr7:102,111,768, C>T. VCF-style: chr7-102111768-C-T. GRCh37 (hg19) VCF-style: chr7-101755048-C-T.
Other names: c.634C>T, p.Gln212Ter (NM_001202543.2, NM_001913.5, NM_181500.4); c.586C>T, p.Gln196Ter (NM_001202544.3); c.496C>T, p.Gln166Ter (NM_001202545.3); c.523C>T, p.Gln175Ter (NM_001202546.3); short protein forms Q166*, Q175*, Q196*, Q201*, Q212*.
Identifiers: ClinVar variation 4881164 (VCV004881164.2).

ClinVar aggregate classification (germline): Likely pathogenic (1 of 4 stars; one submission).

Submission:

Dasa
Classification: Likely pathogenic. Last evaluated: 2025-09-05. Review status: criteria provided, single submitter. Criteria: DASA Assertion Criteria. Collection method: clinical testing. Allele origin: germline.
Comment: NM_181552.4(CUX1):c.601C>T (p.Gln201*) is a nonsense variant in CUX1 predicted to introduce a premature termination codon and is predicted to result in an absent or altered protein product. Loss of function is an established disease mechanism for CUX1-associated disorders. Also, this variant is absent from population databases. Based on the currently available evidence, this variant is classified as likely pathogenic.